The following is an entry in ClinVar:

ClinVar aggregate classification (germline): Pathogenic. Review status: criteria provided, multiple submitters, no conflicts (2 of 4 stars). 6 submissions from 6 submitters: Pathogenic (6). Last evaluated 2026-02-10.

Conditions:
Cardiovascular phenotype. Identifiers: MedGen CN230736.
Cholestanol storage disease (CTX). Also called: CEREBRAL CHOLESTERINOSIS; CTX: Cerebrotendinous xanthomatosis; Cerebrotendinous Xanthomatosis. Identifiers: Orphanet 909, MedGen C0238052, MONDO:0008948, OMIM 213700.

Allele frequency attached by ClinVar (database versions not stated): ExAC 0.00001; gnomAD 0.00002; gnomAD exomes 0.00002; TOPMed 0.00002.

Submissions (6):

Ambry Genetics
Classification: Pathogenic for Cardiovascular phenotype. Last evaluated: 2026-02-10. Review status: criteria provided, single submitter. Criteria: Ambry Variant Classification Scheme 2023. Collection method: clinical testing. Allele origin: germline.
Comment: The p.K284* pathogenic mutation (also known as c.850A>T), located in coding exon 5 of the CYP27A1 gene, results from an A to T substitution at nucleotide position 850. This changes the amino acid from a lysine to a stop codon within coding exon 5. This variant has been identified in the homozygous state and/or in conjunction with other CYP27A1 variant(s) in individual(s), but clinical details were limited (Verrips A et al. Neuromuscul Disord, 2000 Aug;10:407-14; Stelten BML et al. J Inherit Metab Dis, 2018 Jul;41:641-646; Koens LH et al. J Inherit Metab Dis, 2022 Sep;45:981-995; Zubarioglu T et al. Mol Genet Metab, 2024 Jun;142:108493). This variant is considered to be rare based on population cohorts in the Genome Aggregation Database (gnomAD). This alteration is expected to result in loss of function by premature protein truncation or nonsense-mediated mRNA decay. As such, this alteration is interpreted as a disease-causing mutation.

Labcorp Genetics (formerly Invitae), Labcorp
Classification: Pathogenic for Cholestanol storage disease. Last evaluated: 2025-08-11. Review status: criteria provided, single submitter. Criteria: Invitae Variant Classification Sherloc (09022015). Collection method: clinical testing. Allele origin: germline.
Comment: This sequence change creates a premature translational stop signal (p.Lys284*) in the CYP27A1 gene. It is expected to result in an absent or disrupted protein product. Loss-of-function variants in CYP27A1 are known to be pathogenic (PMID: 9392430, 10775536, 26937392). This variant is present in population databases (rs72551319, gnomAD 0.004%). This premature translational stop signal has been observed in individuals with cerebrotendinous xanthomatosis (PMID: 8309576, 28894950). ClinVar contains an entry for this variant (Variation ID: 65907). For these reasons, this variant has been classified as Pathogenic.

Natera, Inc.
Classification: Pathogenic for Cerebrotendinous xanthomatosis. Last evaluated: 2024-07-29. Review status: criteria provided, single submitter. Criteria: Natera Variant Classification Schema (03/2026). Collection method: clinical testing. Allele origin: germline.
Comment: The c.850A>T variant in CYP27A1 is a nonsense variant predicted to introduce a stop codon at amino acid 284. This variant is expected to result in nonsense mediated decay, truncation, or a dysfunctional protein product. This variant is rare in the general population with a frequency below the threshold expected for the associated phenotype(s). This variant has been observed in one or more individuals affected with the associated recessive disease, as either homozygous or compound heterozygous with a second variant (PMID: 32349000, 28894950, 30017468). Given the available evidence, this variant is classified as Pathogenic.

Fulgent Genetics
Classification: Pathogenic for Cholestanol storage disease. Last evaluated: 2024-03-07. Review status: criteria provided, single submitter. Criteria: ACMG Guidelines, 2015. Collection method: clinical testing. Allele origin: germline.

GeneDx
Classification: Pathogenic. Last evaluated: 2022-08-24. Review status: criteria provided, single submitter. Criteria: GeneDx Variant Classification Process June 2021. Collection method: clinical testing. Allele origin: germline. Affected: yes.
Comment: Reported previously in two patients with CTX and autism and both patients harbored a second pathogenic variant; however, it is unclear if these variants are on the same allele (in cis) or on opposite alleles (in trans) (Stelten et al., 2017); Nonsense variant predicted to result in protein truncation or nonsense mediated decay in a gene for which loss of function is a known mechanism of disease; This variant is associated with the following publications: (PMID: 25525159, 33977023, 10775536, 26643207, 28894950, 8162025)

CeGaT Center for Human Genetics Tuebingen
Classification: Pathogenic. Last evaluated: 2019-04-01. Review status: criteria provided, single submitter. Criteria: CeGaT Center For Human Genetics Tuebingen Variant Classification Criteria Version 2. Collection method: clinical testing. Allele origin: germline. Affected: yes. Observed: 1 variant allele.

Literature cited by the submitters: PubMed 10899446 (cited by Ambry Genetics); PubMed 28894950 (cited by 3 submitters); PubMed 35758105 (cited by Ambry Genetics); PubMed 38772327 (cited by Ambry Genetics); PubMed 9392430 (cited by Ambry Genetics and Labcorp Genetics (formerly Invitae), Labcorp); PubMed 10775536 (cited by Labcorp Genetics (formerly Invitae), Labcorp); PubMed 26937392 (cited by Labcorp Genetics (formerly Invitae), Labcorp); PubMed 8309576 (cited by Labcorp Genetics (formerly Invitae), Labcorp); PubMed 32349000 (cited by Natera, Inc.); PubMed 30017468 (cited by Natera, Inc.).

NM_000784.4(CYP27A1):c.850A>T (p.Lys284Ter)

Gene: CYP27A1 (cytochrome P450 family 27 subfamily A member 1; plus strand). Cytogenetic location: 2q35.
Variant type: single nucleotide variant.
Coding change: c.850A>T on transcript NM_000784.4 (MANE Select); coding-DNA position 850, A replaced by T.
Protein change: p.Lys284Ter; replaces lysine 284 with a stop codon.
Molecular consequence: nonsense.
Genome position (GRCh38, 1-based): chr2:218,812,929, A>T. VCF-style: chr2-218812929-A-T. GRCh37 (hg19) VCF-style: chr2-219677652-A-T.
Other names: short protein forms K284*.
Identifiers: ClinVar variation 65907 (VCV000065907.59), dbSNP rs72551319, ClinGen allele CA345246.